The following is an entry in ClinVar:

ClinVar aggregate classification (germline): Uncertain significance. Review status: criteria provided, multiple submitters, no conflicts (2 of 4 stars). 2 submissions from 2 submitters: Uncertain significance (2). Last evaluated 2023-11-03.

Conditions:
Inborn genetic diseases. Identifiers: MedGen C0950123, MeSH D030342.

Allele frequency attached by ClinVar (database versions not stated): TOPMed 0.00012; 1000 Genomes Project 0.00020; 1000 Genomes Project 30x 0.00031.
gnomAD v4.1: 15 of 1,610,996 alleles (0.00093%); highest among the groups gnomAD compares: Admixed American, 0.0084%; no homozygotes.

Submissions (2):

Ambry Genetics
Classification: Uncertain significance for Inborn genetic diseases. Last evaluated: 2023-11-03. Review status: criteria provided, single submitter. Criteria: Ambry Variant Classification Scheme 2023. Collection method: clinical testing. Allele origin: germline.

Labcorp Genetics (formerly Invitae), Labcorp
Classification: Uncertain significance. Last evaluated: 2022-07-03. Review status: criteria provided, single submitter. Criteria: Invitae Variant Classification Sherloc (09022015). Collection method: clinical testing. Allele origin: germline.
Comment: This sequence change replaces valine, which is neutral and non-polar, with methionine, which is neutral and non-polar, at codon 295 of the ADSSL1 protein (p.Val295Met). This variant is present in population databases (rs563631311, gnomAD 0.002%). This variant has not been reported in the literature in individuals affected with ADSSL1-related conditions. ClinVar contains an entry for this variant (Variation ID: 1681966). Algorithms developed to predict the effect of missense changes on protein structure and function are either unavailable or do not agree on the potential impact of this missense change (SIFT: "Not Available"; PolyPhen-2: "Probably Damaging"; Align-GVGD: "Not Available"). In summary, the available evidence is currently insufficient to determine the role of this variant in disease. Therefore, it has been classified as a Variant of Uncertain Significance.

NM_152328.5(ADSS1):c.754G>A (p.Val252Met)

Gene: ADSS1 (adenylosuccinate synthase 1; plus strand). Cytogenetic location: 14q32.33.
Variant type: single nucleotide variant.
Coding change: c.754G>A on transcript NM_152328.5 (MANE Select); coding-DNA position 754, G replaced by A.
Protein change: p.Val252Met; replaces valine 252 with methionine.
Molecular consequence: missense variant.
Genome position (GRCh38, 1-based): chr14:104,741,204, G>A. VCF-style: chr14-104741204-G-A. GRCh37 (hg19) VCF-style: chr14-105207541-G-A.
Other names: c.139G>A, p.Val47Met (NM_001320424.1); c.883G>A, p.Val295Met (NM_199165.2); c.883G>A (NM_199165.1); short protein forms V252M, V295M, V47M.
Identifiers: ClinVar variation 1681966 (VCV001681966.6), dbSNP rs563631311, ClinGen allele CA7373835.